The following is an entry in ClinVar:

ClinVar aggregate classification (germline): Uncertain significance. Review status: criteria provided, multiple submitters, no conflicts (2 of 4 stars). 2 submissions from 2 submitters: Uncertain significance (2). Last evaluated 2024-03-28.

Conditions:
Polyglandular autoimmune syndrome, type 1 (APS1). Also called: HYPOADRENOCORTICISM WITH HYPOPARATHYROIDISM AND SUPERFICIAL MONILIASIS; PGA I; Autoimmune polyendocrinopathy syndrome , type I, with or without reversible metaphyseal dysplasia; Whitaker syndrome; AUTOIMMUNE POLYENDOCRINE SYNDROME, TYPE I, WITH OR WITHOUT REVERSIBLE METAPHYSEAL DYSPLASIA; Autoimmune polyendocrine syndrome type 1. Identifiers: Orphanet 3453, MedGen C0085859, MONDO:0009411, OMIM 240300.

Allele frequency attached by ClinVar (database versions not stated): gnomAD 0.00001; TOPMed 0.00001; gnomAD exomes 0.00002 and 0.00005; ExAC 0.00003.

Submissions (2):

Labcorp Genetics (formerly Invitae), Labcorp
Classification: Uncertain significance for Polyglandular autoimmune syndrome, type 1. Last evaluated: 2024-03-28. Review status: criteria provided, single submitter. Criteria: Invitae Variant Classification Sherloc (09022015). Collection method: clinical testing. Allele origin: germline.
Comment: This sequence change replaces arginine, which is basic and polar, with glutamine, which is neutral and polar, at codon 328 of the AIRE protein (p.Arg328Gln). This variant is present in population databases (rs775921321, gnomAD 0.02%). This missense change has been observed in individual(s) with acrofacial vitiligo (PMID: 26084028). ClinVar contains an entry for this variant (Variation ID: 659723). Advanced modeling of protein sequence and biophysical properties (such as structural, functional, and spatial information, amino acid conservation, physicochemical variation, residue mobility, and thermodynamic stability) performed at Invitae indicates that this missense variant is not expected to disrupt AIRE protein function with a negative predictive value of 95%. Experimental studies have shown that this missense change affects AIRE function (PMID: 26084028). In summary, the available evidence is currently insufficient to determine the role of this variant in disease. Therefore, it has been classified as a Variant of Uncertain Significance.

Department of Pathology and Laboratory Medicine, Sinai Health System
Classification: Uncertain significance for autoimmune polyendocrine syndrome type 1. Last evaluated: 2021-07-30. Review status: criteria provided, single submitter. Criteria: ACMG Guidelines, 2015. Collection method: research. Allele origin: germline.

Literature cited by the submitters: PubMed 26084028 (cited by Labcorp Genetics (formerly Invitae), Labcorp).

NM_000383.4(AIRE):c.983G>A (p.Arg328Gln)

Gene: AIRE (autoimmune regulator; plus strand). Cytogenetic location: 21q22.3.
Variant type: single nucleotide variant.
Coding change: c.983G>A on transcript NM_000383.4 (MANE Select); coding-DNA position 983, G replaced by A.
Protein change: p.Arg328Gln; replaces arginine 328 with glutamine.
Molecular consequence: missense variant.
Genome position (GRCh38, 1-based): chr21:44,291,198, G>A. VCF-style: chr21-44291198-G-A. GRCh37 (hg19) VCF-style: chr21-45711081-G-A.
Other names: short protein forms R328Q.
Identifiers: ClinVar variation 659723 (VCV000659723.6), dbSNP rs775921321, ClinGen allele CA10051868.